The following is an entry in ClinVar:

NM_000153.4(GALC):c.968G>A (p.Gly323Glu)

Gene: GALC (galactosylceramidase; minus strand). Cytogenetic location: 14q31.3.
Variant type: single nucleotide variant.
Coding change: c.968G>A on transcript NM_000153.4 (MANE Select); coding-DNA position 968, G replaced by A.
Protein change: p.Gly323Glu; replaces glycine 323 with glutamic acid.
Molecular consequence: missense variant. On other transcripts: non-coding transcript variant (1).
Genome position (GRCh38, 1-based): chr14:87,965,570, C>T on the plus strand (G>A on the coding strand, the complement: GALC is on the minus strand). VCF-style: chr14-87965570-C-T. GRCh37 (hg19) VCF-style: chr14-88431914-C-T.
Other names: c.899G>A, p.Gly300Glu (NM_001201401.2); c.890G>A, p.Gly297Glu (NM_001201402.2); c.800G>A, p.Gly267Glu (NM_001424071.1, NM_001424072.1, NM_001424073.1); c.620G>A, p.Gly207Glu (NM_001424074.1, NM_001424075.1); c.335G>A, p.Gly112Glu (NM_001424076.1, NM_001424077.1); short protein forms G112E, G207E, G267E, G297E, G300E, G323E.
Identifiers: ClinVar variation 3336459 (VCV003336459.2).

ClinVar aggregate classification (germline): Uncertain significance. Review status: criteria provided, multiple submitters, no conflicts (2 of 4 stars). 2 submissions from 2 submitters: Uncertain significance (2). Last evaluated 2026-03-31.

Conditions:
Galactosylceramide beta-galactosidase deficiency. Also called: GALACTOCEREBROSIDASE DEFICIENCY; GALC DEFICIENCY; GLOBOID CELL LEUKOENCEPHALOPATHY; Leukodystrophy, Globoid Cell; Krabbe Disease. Identifiers: Orphanet 487, MedGen C0023521, MONDO:0009499, OMIM 245200.

gnomAD v4.1: 1 of 1,613,404 alleles (0.000062%); highest among the groups gnomAD compares: African/African-American, 0.0013%; no homozygotes.

Submissions (2):

Myriad Genetics, Inc.
Classification: Uncertain significance for Galactosylceramide beta-galactosidase deficiency. Last evaluated: 2026-03-31. Review status: criteria provided, single submitter. Criteria: Myriad Autosomal Dominant, Autosomal Recessive and X-Linked Classification Criteria (2023). Collection method: clinical testing. Allele origin: unknown.
Comment: NM_000153.3(GALC):c.968G>A(G323E) is a missense variant classified as a variant of uncertain significance in the context of Krabbe disease. G323E has been observed in cases with relevant disease (PMID: 35614200, Wenger_2013_Chapter). Relevant functional assessments of this variant are not available in the literature. G323E has been observed in referenced population frequency databases. In summary, there is insufficient evidence to classify NM_000153.3(GALC):c.968G>A(G323E) as pathogenic or benign. Please note: this variant was assessed in the context of healthy population screening.

Women's Health and Genetics/Laboratory Corporation of America, LabCorp
Classification: Uncertain significance. Last evaluated: 2024-05-21. Review status: criteria provided, single submitter. Criteria: LabCorp Variant Classification Summary - May 2015. Collection method: clinical testing. Allele origin: germline.
Comment: Variant summary: GALC c.968G>A (p.Gly323Glu) results in a non-conservative amino acid change located in the Glycosyl hydrolase family 59, catalytic domain (IPR049161) of the encoded protein sequence. Five of five in-silico tools predict a damaging effect of the variant on protein function. The variant allele was found at a frequency of 8e-06 in 249048 control chromosomes. The available data on variant occurrences in the general population are insufficient to allow any conclusion about variant significance. c.968G>A has been reported in the literature in at least one individual affected with Krabbe Disease without reported second variant (e.g. Almeida_2022). This report does not provide unequivocal conclusions about association of the variant with Krabbe Disease. To our knowledge, no experimental evidence demonstrating an impact on protein function has been reported. The following publication has been ascertained in the context of this evaluation (PMID: 35614200). No submitters have cited clinical-significance assessments for this variant to ClinVar. Based on the evidence outlined above, the variant was classified as uncertain significance.

Literature cited by the submitters: PubMed 35614200 (cited by Women's Health and Genetics/Laboratory Corporation of America, LabCorp).